The following is an entry in ClinVar:

ClinVar aggregate classification (germline): Uncertain significance (1 of 4 stars; one submission).

Conditions:
Ellis-van Creveld syndrome (EVC). Also called: EVC-Related Ellis-van Creveld Syndrome; EVC2-Related Ellis-van Creveld Syndrome; MESOECTODERMAL DYSPLASIA; Chondroectodermal dysplasia. Identifiers: Orphanet 289, MedGen C0013903, MONDO:0009162, OMIM 225500.
Curry-Hall syndrome (WAD). Also called: WEYERS ACRODENTAL DYSOSTOSIS. Identifiers: Orphanet 952, MedGen C0457013, MONDO:0008673, OMIM 193530.

Allele frequency attached by ClinVar (database versions not stated): ExAC 0.00001.
gnomAD v4.1: 3 of 1,614,232 alleles (0.00019%); highest among the groups gnomAD compares: Non-Finnish European, 0.00017%; no homozygotes.

Submission:

Labcorp Genetics (formerly Invitae), Labcorp
Classification: Uncertain significance for Curry-Hall syndrome; Ellis-van Creveld syndrome. Last evaluated: 2024-02-17. Review status: criteria provided, single submitter. Criteria: Invitae Variant Classification Sherloc (09022015). Collection method: clinical testing. Allele origin: germline.
Comment: This sequence change replaces serine, which is neutral and polar, with isoleucine, which is neutral and non-polar, at codon 539 of the EVC2 protein (p.Ser539Ile). This variant is present in population databases (rs747876686, gnomAD 0.0009%). This variant has not been reported in the literature in individuals affected with EVC2-related conditions. ClinVar contains an entry for this variant (Variation ID: 2184589). An algorithm developed to predict the effect of missense changes on protein structure and function (PolyPhen-2) suggests that this variant is likely to be disruptive. In summary, the available evidence is currently insufficient to determine the role of this variant in disease. Therefore, it has been classified as a Variant of Uncertain Significance.

NM_147127.5(EVC2):c.1616G>T (p.Ser539Ile)

Gene: EVC2 (EvC ciliary complex subunit 2; minus strand). Cytogenetic location: 4p16.2.
Variant type: single nucleotide variant.
Coding change: c.1616G>T on transcript NM_147127.5 (MANE Select); coding-DNA position 1616, G replaced by T.
Protein change: p.Ser539Ile; replaces serine 539 with isoleucine.
Molecular consequence: missense variant.
Genome position (GRCh38, 1-based): chr4:5,631,887, C>A on the plus strand (G>T on the coding strand, the complement: EVC2 is on the minus strand). VCF-style: chr4-5631887-C-A. GRCh37 (hg19) VCF-style: chr4-5633614-C-A.
Other names: c.1376G>T, p.Ser459Ile (NM_001166136.2); short protein forms S459I, S539I.
Identifiers: ClinVar variation 2184589 (VCV002184589.3), dbSNP rs747876686, ClinGen allele CA2835002.